The following is an entry in ClinVar:

ClinVar aggregate classification (germline): Likely benign (1 of 4 stars; one submission).

Conditions:
Schnyder crystalline corneal dystrophy (SCCD). Also called: Crystalline corneal dystrophy; Schnyder corneal dystrophy. Identifiers: Orphanet 98967, MedGen C0271287, MONDO:0007374, OMIM 121800.

Allele frequency attached by ClinVar (database versions not stated): ExAC 0.00009; TOPMed 0.00002; gnomAD 0.00001; gnomAD exomes 0.00002 and 0.00005.

Submission:

Illumina Laboratory Services, Illumina
Classification: Likely benign for Schnyder crystalline corneal dystrophy. Last evaluated: 2018-01-13. Review status: criteria provided, single submitter. Criteria: ICSL Variant Classification Criteria 13 December 2019. Collection method: clinical testing. Allele origin: germline.
Comment: This variant was observed in the ICSL laboratory as part of a predisposition screen in an ostensibly healthy population. It had not been previously curated by ICSL or reported in the Human Gene Mutation Database (HGMD: prior to June 1st, 2018), and was therefore a candidate for classification through an automated scoring system. Utilizing variant allele frequency, disease prevalence and penetrance estimates, and inheritance mode, an automated score was calculated to assess if this variant is too frequent to cause the disease. Based on the score and internal cut-off values, a variant classified as likely benign is not then subjected to further curation. The score for this variant resulted in a classification of likely benign for this disease.

NM_013319.3(UBIAD1):c.60A>C (p.Lys20Asn)

Gene: UBIAD1 (UbiA prenyltransferase domain containing 1; plus strand). Cytogenetic location: 1p36.22.
Variant type: single nucleotide variant.
Coding change: c.60A>C on transcript NM_013319.3 (MANE Select); coding-DNA position 60, A replaced by C.
Protein change: p.Lys20Asn; replaces lysine 20 with asparagine.
Molecular consequence: missense variant.
Genome position (GRCh38, 1-based): chr1:11,273,591, A>C. VCF-style: chr1-11273591-A-C. GRCh37 (hg19) VCF-style: chr1-11333648-A-C.
Other names: c.60A>C, p.Lys20Asn (NM_001330349.2, NM_001330350.2); short protein forms K20N.
Identifiers: ClinVar variation 291820 (VCV000291820.5), dbSNP rs764215999, ClinGen allele CA591081.